The following is an entry in ClinVar:

ClinVar aggregate classification (germline): Benign/Likely benign. Review status: criteria provided, multiple submitters, no conflicts (2 of 4 stars). 3 submissions from 3 submitters: Benign (1); Likely benign (2). Last evaluated 2026-09-01.

Allele frequency attached by ClinVar (database versions not stated): gnomAD exomes 0.00010 and 0.00025; ExAC 0.00042; 1000 Genomes Project 0.00080; ESP Exome Variant Server 0.00085; 1000 Genomes Project 30x 0.00094; gnomAD 0.00100 and 0.00112; TOPMed 0.00121.
gnomAD v4.1: 310 of 1,608,436 alleles (0.019%); highest among the groups gnomAD compares: African/African-American, 0.35%; 1 homozygote.

Submissions (3):

CeGaT Center for Human Genetics Tuebingen
Classification: Likely benign. Last evaluated: 2026-09-01. Review status: criteria provided, single submitter. Criteria: CeGaT Center For Human Genetics Tuebingen Variant Classification Criteria Version 2. Collection method: clinical testing. Allele origin: germline. Affected: yes. Observed: 1 variant allele.
Comment: ERBB2: BP4, BP7

Labcorp Genetics (formerly Invitae), Labcorp
Classification: Benign. Last evaluated: 2025-06-08. Review status: criteria provided, single submitter. Criteria: Invitae Variant Classification Sherloc (09022015). Collection method: clinical testing. Allele origin: germline.

Blueprint Genetics
Classification: Likely benign. Last evaluated: 2024-10-16. Review status: criteria provided, single submitter. Criteria: ACMG Guidelines, 2015. Collection method: clinical testing. Allele origin: germline.

NM_004448.4(ERBB2):c.2148A>G (p.Lys716=)

Gene: ERBB2 (erb-b2 receptor tyrosine kinase 2; plus strand). Cytogenetic location: 17q12.
Variant type: single nucleotide variant.
Coding change: c.2148A>G on transcript NM_004448.4 (MANE Select); coding-DNA position 2148, A replaced by G.
Protein change: p.Lys716=; no amino-acid change (lysine 716 retained).
Molecular consequence: synonymous variant. On other transcripts: non-coding transcript variant (1), intron variant (1).
Genome position (GRCh38, 1-based): chr17:39,723,600, A>G. VCF-style: chr17-39723600-A-G. GRCh37 (hg19) VCF-style: chr17-37879853-A-G.
Other names: c.2058A>G, p.Lys686= (NM_001005862.3, NM_001382782.1, NM_001382783.1); c.2103A>G, p.Lys701= (NM_001289936.2); c.2148A>G, p.Lys716= (NM_001289937.2, NM_001382792.1, NM_001382793.1 and 6 more transcripts); c.2265A>G, p.Lys755= (NM_001382784.1, NM_001382786.1); c.2250A>G, p.Lys750= (NM_001382785.1); c.2223A>G, p.Lys741= (NM_001382787.1); c.2178A>G, p.Lys726= (NM_001382788.1); c.2169A>G, p.Lys723= (NM_001382789.1); and 8 more.
Identifiers: ClinVar variation 730619 (VCV000730619.11), dbSNP rs146883671, ClinGen allele CA8534225.
Genomic context (GRCh38, chr17:39,723,600, plus strand): 5'-GGTGGAGCCGCTGACACCTAGCGGAGCGATGCCCAACCAGGCGCAGATGCGGATCCTGAA[A>G]GAGACGGAGCTGAGGAAGGTGAAGGTGCTTGGATCTGGCGCTTTTGGCACAGTCTACAAG-3'
Protein context (NP_004439.2, residues 706-726): MPNQAQMRIL[Lys716=]ETELRKVKVL